The following is an entry in ClinVar:

ClinVar aggregate classification (germline): Uncertain significance. Review status: reviewed by expert panel (3 of 4 stars). 7 submissions from 7 submitters: Uncertain significance (1). 6 of the submissions do not count toward it. Last evaluated 2024-02-22.

Conditions:
Marfan syndrome (MFS). Also called: MARFAN SYNDROME, TYPE I; FBN1-Related Marfan Syndrome; Marfan syndrome, classic; Marfan syndrome type 1; Marfan's syndrome. Identifiers: Orphanet 284963, Orphanet 558, MedGen C0024796, MONDO:0007947, OMIM 154700.
Familial thoracic aortic aneurysm and aortic dissection (TAAD). Also called: Thoracic aortic aneurysms and dissections. Identifiers: Orphanet 91387, MedGen C4707243, MONDO:0019625.

Allele frequency attached by ClinVar (database versions not stated): gnomAD exomes 0.00001 and 0.00003; TOPMed 0.00001; gnomAD 0.00001.

Submissions (7):

ClinGen FBN1 Variant Curation Expert Panel, ClinGen
Classification: Uncertain significance for Marfan syndrome. Last evaluated: 2024-02-22. Review status: reviewed by expert panel. Criteria: Assertion Criteria VCEP FBN1 Version 1. Collection method: curation. Allele origin: germline. Inheritance: Autosomal dominant inheritance.
Comment: The NM_00138 c.6163+2dup variant in FBN1 occurs in the intron near the invariant region (+1/2) of the consensus donor splice site; the c.6163+2T nucleotide is moderately conserved. In silico prediction programs (GeneSplicer, MaxEntScan, NNSplice) predict this variant to weaken/ destroy the canonical donor site of this intron, which is expected to disrupt mRNA splicing and result in absent or truncated protein product (PP3). However, this prediction has not been confirmed by RNA functional studies. This variant has been reported five times in ClinVar: once as pathogenic, four times as uncertain significance (Variation ID: 200167). This variant has been reported in individuals with thoracic aortic aneurysm and/or dissection who carried other cardiogenetic variants (GeneDx, Murdoch Childrens Research Institute ClinVar entry). It has also been reported in an individual without structural heart disease (PMID 28659821). This variant is present in 2/113448 (0.0018%) of alleles tested from the European non-Finnish population in gnomAD (v2.1.1). Due to the conflicting evidence, this variant is classified as uncertain significance for Marfan syndrome based on the ACMG/AMP criteria applied, as specified by the ClinGen FBN1 VCEP: PP3.

Ambry Genetics
Classification: Uncertain significance for Familial thoracic aortic aneurysm and aortic dissection. Last evaluated: 2026-04-03. Review status: criteria provided, single submitter. Criteria: Ambry Variant Classification Scheme 2023. Collection method: clinical testing. Allele origin: germline. Not counted in ClinVar's aggregate classification.
Comment: The c.6163+2dupT intronic variant is located 2 nucleotides after coding exon 49 in the FBN1 gene. This variant results from a duplication of one nucleotide at position c.6163+2. This variant does not change the sequence of the canonical donor at this splice site. This variant was reported in an individual with aortic dissection (Murdock DR et al. NPJ Genom Med, 2025 Mar;10:25). This nucleotide position is highly conserved in available vertebrate species. In silico splice site analysis predicts that this alteration may weaken the native splice donor site. Based on the available evidence, the clinical significance of this variant remains unclear.

Color Diagnostics, LLC DBA Color Health
Classification: Uncertain significance for Familial thoracic aortic aneurysm and aortic dissection. Last evaluated: 2025-11-20. Review status: criteria provided, single submitter. Criteria: ACMG Guidelines, 2015. Collection method: clinical testing. Allele origin: germline. Not counted in ClinVar's aggregate classification.
Comment: This variant causes a duplication of the +2 postion in intron 50 of the FBN1 gene. Splice site prediction tools predict that this variant may have a significant impact on RNA splicing, although this prediction has not been confirmed in published RNA studies. This variant has been reported in an individual affected with bicuspid aortic valve-associated thoracic aortic aneurysm (PMID: 28659821). This variant has been identified in 44/1613246 chromosomes in the general population by the Genome Aggregation Database (gnomAD). The available evidence is insufficient to determine the role of this variant in disease conclusively. Therefore, this variant is classified as a Variant of Uncertain Significance.

Labcorp Genetics (formerly Invitae), Labcorp
Classification: Uncertain significance for Marfan syndrome; Familial thoracic aortic aneurysm and aortic dissection. Last evaluated: 2025-08-03. Review status: criteria provided, single submitter. Criteria: Invitae Variant Classification Sherloc (09022015). Collection method: clinical testing. Allele origin: germline. Not counted in ClinVar's aggregate classification.
Comment: This sequence change falls in intron 50 of the FBN1 gene. It does not directly change the encoded amino acid sequence of the FBN1 protein. It affects a nucleotide within the consensus splice site. This variant is present in population databases (rs794728315, gnomAD 0.002%). This variant has not been reported in the literature in individuals affected with FBN1-related conditions. ClinVar contains an entry for this variant (Variation ID: 200167). Variants that disrupt the consensus splice site are a relatively common cause of aberrant splicing (PMID: 17576681, 9536098). Algorithms developed to predict the effect of sequence changes on RNA splicing suggest that this variant may disrupt the consensus splice site. In summary, the available evidence is currently insufficient to determine the role of this variant in disease. Therefore, it has been classified as a Variant of Uncertain Significance.

Women's Health and Genetics/Laboratory Corporation of America, LabCorp
Classification: Uncertain significance. Last evaluated: 2023-06-19. Review status: criteria provided, single submitter. Criteria: LabCorp Variant Classification Summary - May 2015. Collection method: clinical testing. Allele origin: germline. Not counted in ClinVar's aggregate classification.
Comment: Variant summary: FBN1 c.6163+2dupT alters a conserved nucleotide located close to a canonical splice site and therefore could affect mRNA splicing, leading to a significantly altered protein sequence. Several computational tools predict a significant impact on normal splicing: Two predict the variant abolishes a 5' splicing donor site. Two predict the variant weakens a 5' donor site. However, these predictions have yet to be confirmed by functional studies. The variant allele was found at a frequency of 8e-06 in 251092 control chromosomes. The available data on variant occurrences in the general population are insufficient to allow any conclusion about variant significance. To our knowledge, no occurrence of c.6163+2dupT in individuals affected with Marfan Syndrome and no experimental evidence demonstrating its impact on protein function have been reported. The following publication have been ascertained in the context of this evaluation (PMID: 28659821). Three submitters have cited clinical-significance assessments for this variant to ClinVar after 2014. All submitters classified the variant as uncertain significance. Based on the evidence outlined above, the variant was classified as uncertain significance.

Victorian Clinical Genetics Services, Murdoch Childrens Research Institute
Classification: Uncertain significance for Marfan syndrome. Last evaluated: 2022-02-02. Review status: criteria provided, single submitter. Criteria: ACMG Guidelines, 2015. Collection method: clinical testing. Allele origin: germline. Inheritance: Autosomal dominant inheritance. Not counted in ClinVar's aggregate classification.
Comment: Based on the classification scheme VCGS_Germline_v1.3.4, this variant is classified as VUS-3A. Following criteria are met: 0103 - Dominant negative and loss of function are known mechanisms of disease in this gene and are associated with FBN1-related disease. Variants predicted to result in nonsense mediated decay cause loss of function effects, and are more commonly associated with severe Marfan syndrome (MIM#154700). Missense variants with both dominant negative and loss of function effects on protein function, are associated with Marfan syndrome and ectopia lentis (MIM#129600) (OMIM, PMID: 29357934). The exact genotype-phenotype correlation for this gene is still unclear, and is compounded by variable expressivity (PMID: 20301510). (I) 0107 - This gene is associated with autosomal dominant disease however, autosomal recessive forms of Marfan syndrome have been reported infrequently (PMID: 27274304; 31950671). (I) 0115 - Variants in this gene are known to have variable expressivity. The genotype-phenotype correlations for this gene are unclear, with single variants reported in patients with a range of phenotypes (PMID: 20301510, OMIM). (I) 0212 - Non-canonical splice site variant without proven consequence on splicing (no functional evidence available). The canonical splice site is not predicted to be affected. (SP) 0251 - This variant is heterozygous. (I) 0302 - Variant is present in gnomAD (v2) <0.001 for a dominant condition (2 heterozygotes, 0 homozygotes). (SP) 0505 - Abnormal splicing is predicted by in silico tools. (SP) 0704 - Another splice variant comparable to the one identified in this case has limited previous evidence for pathogenicity. The variant c.6163+3A>G, which also introduces a change to nucleotide +3, has been reported in an individual with Marfan syndrome (PMID: 12203992). (SP) 0808 - Previous reports of pathogenicity for this variant are conflicting. This variant has been reported once as pathogenic in ClinVar and was seen in two individuals who each harboured additional cardiogenetic variants. One of these individuals presented with a thoracic aortic aneurysm in adulthood, and the second individual presented with a ventricular septal defect and aortic dilation (GeneDx personal communication). This variant also has multiple VUS entries in ClinVar, including one report of an individual with no personal history of a cardiovascular disorder or a Marfan syndrome diagnosis (Color Health personal communication). Furthermore, in a large bicuspid aortic valve/thoracic aortic aneurysm cohort study, this variant was identified in a control individual with no structural heart disease (PMID: 28659821). (I) 0903 - This variant has limited evidence for segregation with disease. The variants segregates with disease in three affected individuals in this family. (SP) 1007 - No published functional evidence has been identified for this variant. (I) 1208 - Inheritance information for this variant is not currently available in this individual. (I) Legend: (SP) - Supporting pathogenic, (I) - Information, (SB) - Supporting benign

GeneDx
Classification: Pathogenic for Thoracic aortic aneurysms and aortic dissections. Last evaluated: 2014-07-18. Review status: criteria provided, single submitter. Criteria: GeneDx Variant Classification (06012015). Collection method: clinical testing. Allele origin: germline. Affected: yes. Not counted in ClinVar's aggregate classification.
Comment: c.6163+2dupT: IVS50+2_50+3insT in intron 50 of the FBN1 gene (NM_000138.4)Although the c.6163+2_6163+3insT c.6163+2dupT mutation has not been reported as a disease-causing mutation or as a benign polymorphism to our knowledge, in silico splice prediction algorithms predict that this mutation destroys the canonical splice donor site in intron 50, causing abnormal gene splicing. The mutation is predicted to lead to either an abnormal message that is subject to nonsense-mediated mRNA decay, or to an abnormal protein product if the message is used for protein translation. Other splice site mutations in the FBN1 gene have been reported in association with Marfan syndrome. In summary, c.6163+2dupT in the FBN1 gene is interpreted as a disease-causing mutation. The variant is found in TAAD panel(s).

Literature cited by the submitters: PubMed 40118890 (cited by Ambry Genetics); PubMed 28659821 (cited by 3 submitters); PubMed 17576681 (cited by Labcorp Genetics (formerly Invitae), Labcorp); PubMed 9536098 (cited by Labcorp Genetics (formerly Invitae), Labcorp); NCBI Bookshelf NBK1335 (cited by Victorian Clinical Genetics Services, Murdoch Childrens Research Institute); PubMed 12203992 (cited by Victorian Clinical Genetics Services, Murdoch Childrens Research Institute); PubMed 20301510 (cited by Victorian Clinical Genetics Services, Murdoch Childrens Research Institute); PubMed 27274304 (cited by Victorian Clinical Genetics Services, Murdoch Childrens Research Institute); PubMed 29357934 (cited by Victorian Clinical Genetics Services, Murdoch Childrens Research Institute); PubMed 31950671 (cited by Victorian Clinical Genetics Services, Murdoch Childrens Research Institute).

NM_000138.5(FBN1):c.6163+2dup

Gene: FBN1 (fibrillin 1; minus strand). Cytogenetic location: 15q21.1.
Variant type: Duplication.
Coding change: c.6163+2dup on transcript NM_000138.5 (MANE Select); the canonical splice donor site of the intron after coding-DNA position 6163, one base duplicated (T; older notation c.6163+2dupT).
Molecular consequence: splice donor variant.
Genome position (GRCh38, 1-based): chr15:48,441,719, A duplicated on the plus strand (T on the coding strand, the reverse complement: FBN1 is on the minus strand). VCF-style (leftmost placement, unchanged base first): chr15-48441718-T-TA. GRCh37 (hg19) VCF-style: chr15-48733915-T-TA.
Other names: c.6163+2dupT (NM_000138.4).
Identifiers: ClinVar variation 200167 (VCV000200167.19), dbSNP rs794728315, ClinGen allele CA304350.